The following is an entry in ClinVar:

ClinVar aggregate classification (germline): Uncertain significance (1 of 4 stars; one submission).

Conditions:
Malignant hyperthermia, susceptibility to, 1 (MHS1). Also called: Anesthesia related hyperthermia; Malignant hyperpyrexia; Fulminating hyperpyrexia; Pharmacogenic myopathy; RYR1-Related Malignant Hyperthermia Susceptibility; Malignant hyperthermia suceptibility 1. Identifiers: Orphanet 423, MedGen C2930980, MONDO:0007783, OMIM 145600.

Allele frequency attached by ClinVar (database versions not stated): gnomAD exomes below 0.00001; TOPMed below 0.00001; gnomAD 0.00001.
gnomAD v4.1: 2 of 1,612,390 alleles (0.00012%); highest among the groups gnomAD compares: East Asian, 0.0045%; no homozygotes.

Submission:

All of Us Research Program, National Institutes of Health
Classification: Uncertain significance for Malignant hyperthermia, susceptibility to, 1. Last evaluated: 2023-06-28. Review status: criteria provided, single submitter. Criteria: ACMG Guidelines, 2015. Collection method: clinical testing. Allele origin: germline. Inheritance: Autosomal dominant inheritance. Observed: 1 variant allele, 1 heterozygote.
Comment: This study involves interpretation of variants in research participants for the purpose of population health screening. Participant phenotype was not available at the time of variant classification. Additional details can be found in publication PMID: 35346344, PMCID: PMC8962531

NM_000540.3(RYR1):c.6365G>A (p.Ser2122Asn)

Gene: RYR1 (ryanodine receptor 1; plus strand). Cytogenetic location: 19q13.2.
Variant type: single nucleotide variant.
Coding change: c.6365G>A on transcript NM_000540.3 (MANE Select); coding-DNA position 6365, G replaced by A.
Protein change: p.Ser2122Asn; replaces serine 2122 with asparagine.
Molecular consequence: missense variant.
Genome position (GRCh38, 1-based): chr19:38,494,442, G>A. VCF-style: chr19-38494442-G-A. GRCh37 (hg19) VCF-style: chr19-38985082-G-A.
Other names: c.6365G>A, p.Ser2122Asn (NM_001042723.2); short protein forms S2122N.
Identifiers: ClinVar variation 3071724 (VCV003071724.1), dbSNP rs1227623975, ClinGen allele CA405663686.